The following is an entry in ClinVar:

ClinVar aggregate classification (germline): Uncertain significance (1 of 4 stars; one submission).

Submission:

GeneDx
Classification: Uncertain significance. Last evaluated: 2020-01-06. Review status: criteria provided, single submitter. Criteria: GeneDx Variant Classification Process June 2021. Collection method: clinical testing. Allele origin: germline. Affected: yes.
Comment: Not observed in large population cohorts (Lek et al., 2016); In silico analysis, which includes protein predictors and evolutionary conservation, supports that this variant does not alter protein structure/function; Has not been previously published as pathogenic or benign to our knowledge

NM_014159.7(SETD2):c.2254C>G (p.Leu752Val)

Gene: SETD2 (SET domain containing 2, histone lysine methyltransferase; minus strand). Cytogenetic location: 3p21.31.
Variant type: single nucleotide variant.
Coding change: c.2254C>G on transcript NM_014159.7 (MANE Select); coding-DNA position 2254, C replaced by G.
Protein change: p.Leu752Val; replaces leucine 752 with valine.
Molecular consequence: missense variant. On other transcripts: non-coding transcript variant (1).
Genome position (GRCh38, 1-based): chr3:47,122,382, G>C on the plus strand (C>G on the coding strand, the complement: SETD2 is on the minus strand). VCF-style: chr3-47122382-G-C. GRCh37 (hg19) VCF-style: chr3-47163872-G-C.
Other names: c.2122C>G, p.Leu708Val (NM_001349370.3); short protein forms L708V, L752V.
Identifiers: ClinVar variation 1311836 (VCV001311836.2), dbSNP rs2106677070, ClinGen allele CA352527148.
Genomic context (GRCh38, chr3:47,122,382, plus strand): 5'-TGGAATAATCCACAGTCATAACTGGCATAGACATGAGTTTATCTTGGTGTGGTGACACCA[G>C]AGGTTCTGTTTCTCTAAATGGGCTTTCTGACTTCTTATGCAGCATGCAGGTATCATCCAA-3'
Protein context (NP_054878.5, residues 742-762): SESPFRETEP[Leu752Val]VSPHQDKLMS